The following is an entry in ClinVar:

ClinVar aggregate classification (germline): Likely benign. Review status: criteria provided, multiple submitters, no conflicts (2 of 4 stars). 4 submissions from 4 submitters: Likely benign (3). 1 of the submissions does not count toward it. Last evaluated 2025-12-03.

Conditions:
Bardet-Biedl syndrome 10 (BBS10). Identifiers: Orphanet 110, MedGen C1859568, MONDO:0014438, OMIM 615987.
BBS10-related disorder. Also called: BBS10-related condition.
Bardet-Biedl syndrome (BBS). Identifiers: Orphanet 110, MedGen C0752166, MONDO:0015229.

Allele frequency attached by ClinVar (database versions not stated): gnomAD exomes 0.00001; ExAC 0.00002; gnomAD 0.00013; TOPMed 0.00015; ESP Exome Variant Server 0.00016.
gnomAD v4.1: 29 of 1,613,356 alleles (0.0018%); highest among the groups gnomAD compares: African/African-American, 0.037%; no homozygotes.

Submissions (4):

Labcorp Genetics (formerly Invitae), Labcorp
Classification: Likely benign for Bardet-Biedl syndrome. Last evaluated: 2025-12-03. Review status: criteria provided, single submitter. Criteria: Invitae Variant Classification Sherloc (09022015). Collection method: clinical testing. Allele origin: germline.

Blueprint Genetics
Classification: Likely benign. Last evaluated: 2023-10-10. Review status: criteria provided, single submitter. Criteria: ACMG Guidelines, 2015. Collection method: clinical testing. Allele origin: germline.

Fulgent Genetics
Classification: Likely benign for Bardet-Biedl syndrome 10. Last evaluated: 2021-12-21. Review status: criteria provided, single submitter. Criteria: ACMG Guidelines, 2015. Collection method: clinical testing. Allele origin: unknown.

PreventionGenetics, part of Exact Sciences
Classification: Likely benign for BBS10-related condition. Last evaluated: 2020-06-01. Review status: no assertion criteria provided. Collection method: clinical testing. Allele origin: germline. Not counted in ClinVar's aggregate classification.
Comment: This variant is classified as likely benign based on ACMG/AMP sequence variant interpretation guidelines (Richards et al. 2015 PMID: 25741868, with internal and published modifications).

NM_024685.4(BBS10):c.102G>T (p.Arg34=)

Gene: BBS10 (Bardet-Biedl syndrome 10; minus strand). Cytogenetic location: 12q21.2.
Variant type: single nucleotide variant.
Coding change: c.102G>T on transcript NM_024685.4 (MANE Select); coding-DNA position 102, G replaced by T.
Protein change: p.Arg34=; no amino-acid change (arginine 34 retained).
Molecular consequence: synonymous variant.
Genome position (GRCh38, 1-based): chr12:76,348,257, C>A on the plus strand (G>T on the coding strand, the complement: BBS10 is on the minus strand). VCF-style: chr12-76348257-C-A. GRCh37 (hg19) VCF-style: chr12-76742037-C-A.
Identifiers: ClinVar variation 701364 (VCV000701364.14), dbSNP rs376601112, ClinGen allele CA6694426.
Genomic context (GRCh38, chr12:76,348,257, plus strand): 5'-GAGGCGGCCTCCATTCCGGCTGAGAAGCACCTCGCCAGTGGGCTTCGTACACAAAACTTG[C>A]CGTCCCTCGGGCCCCACGCAGCAGCTCACGATGGCTTCCAGCACCTCGGCCACCTGCAAC-3'
Protein context (NP_078961.3, residues 24-44): IVSCCVGPEG[Arg34=]QVLCTKPTGE